The following is an entry in ClinVar:

ClinVar aggregate classification (germline): Conflicting classifications of pathogenicity. Review status: criteria provided, conflicting classifications (1 of 4 stars). 4 submissions from 4 submitters: Uncertain significance (1); Benign (2); Likely benign (1). Last evaluated 2026-09-01.

Conditions:
Thyroid dyshormonogenesis 6 (TDH6). Also called: HYPOTHYROIDISM, CONGENITAL, DUE TO DYSHORMONOGENESIS, 6; THYROID HORMONOGENESIS, GENETIC DEFECT IN, 6; Genetic transient congenital hypothyroidism. Identifiers: Orphanet 226316, Orphanet 95716, MedGen C1846632, MONDO:0011792, OMIM 607200.

Allele frequency attached by ClinVar (database versions not stated): 1000 Genomes Project 0.00419; 1000 Genomes Project 30x 0.00515; ExAC 0.00859; TOPMed 0.00890; gnomAD 0.00900 and 0.00914; gnomAD exomes 0.00912; ESP Exome Variant Server 0.01078.
gnomAD v4.1: 17,295 of 1,614,080 alleles (1.1%); highest among the groups gnomAD compares: Non-Finnish European, 1.2%; 109 homozygotes.

Submissions (33):

CeGaT Center for Human Genetics Tuebingen
Classification: Benign. Last evaluated: 2026-09-01. Review status: criteria provided, single submitter. Criteria: CeGaT Center For Human Genetics Tuebingen Variant Classification Criteria Version 2. Collection method: clinical testing. Allele origin: germline. Affected: yes. Observed: 6 variant alleles.
Comment: DUOX2: PP3, BS1, BS2

Labcorp Genetics (formerly Invitae), Labcorp
Classification: Benign. Last evaluated: 2026-02-04. Review status: criteria provided, single submitter. Criteria: Invitae Variant Classification Sherloc (09022015). Collection method: clinical testing. Allele origin: germline.

Mayo Clinic Laboratories, Mayo Clinic
Classification: Likely benign. Last evaluated: 2025-09-03. Review status: criteria provided, single submitter. Criteria: ACMG Guidelines, 2015. Collection method: clinical testing. Allele origin: germline. Observed: 2 variant alleles.
Comment: BS1, BS2, PP3

Illumina Laboratory Services, Illumina
Classification: Uncertain significance for Thyroid dyshormonogenesis 6. Last evaluated: 2018-01-13. Review status: criteria provided, single submitter. Criteria: ICSL Variant Classification Criteria 13 December 2019. Collection method: clinical testing. Allele origin: germline.

Dr. Peter K. Rogan Lab, Western University
No classification provided (evidence only). Condition: Clear cell carcinoma of kidney. Review status: no classification provided. Collection method: in vitro. Allele origin: not applicable. Functional consequence: retained intron. Not counted in ClinVar's aggregate classification.

Dr. Peter K. Rogan Lab, Western University
No classification provided (evidence only). Condition: Lung cancer. Review status: no classification provided. Collection method: in vitro. Allele origin: not applicable. Functional consequence: retained intron. Not counted in ClinVar's aggregate classification.

Dr. Peter K. Rogan Lab, Western University
No classification provided (evidence only). Condition: Lung cancer. Review status: no classification provided. Collection method: in vitro. Allele origin: not applicable. Functional consequence: retained intron. Not counted in ClinVar's aggregate classification.

Dr. Peter K. Rogan Lab, Western University
No classification provided (evidence only). Condition: Lung cancer. Review status: no classification provided. Collection method: in vitro. Allele origin: not applicable. Functional consequence: retained intron. Not counted in ClinVar's aggregate classification.

Dr. Peter K. Rogan Lab, Western University
No classification provided (evidence only). Condition: Melanoma. Review status: no classification provided. Collection method: in vitro. Allele origin: not applicable. Functional consequence: retained intron. Not counted in ClinVar's aggregate classification.

Dr. Peter K. Rogan Lab, Western University
No classification provided (evidence only). Condition: Colon adenocarcinoma. Review status: no classification provided. Collection method: in vitro. Allele origin: not applicable. Functional consequence: cryptic splice site. Not counted in ClinVar's aggregate classification.

Dr. Peter K. Rogan Lab, Western University
No classification provided (evidence only). Condition: Colon adenocarcinoma. Review status: no classification provided. Collection method: in vitro. Allele origin: not applicable. Functional consequence: cryptic splice site, retained intron. Not counted in ClinVar's aggregate classification.

Dr. Peter K. Rogan Lab, Western University
No classification provided (evidence only). Condition: Colorectal cancer. Review status: no classification provided. Collection method: in vitro. Allele origin: not applicable. Functional consequence: retained intron. Not counted in ClinVar's aggregate classification.

Dr. Peter K. Rogan Lab, Western University
No classification provided (evidence only). Condition: Thyroid cancer, nonmedullary, 1. Review status: no classification provided. Collection method: in vitro. Allele origin: not applicable. Functional consequence: cryptic splice site, retained intron. Not counted in ClinVar's aggregate classification.

Dr. Peter K. Rogan Lab, Western University
No classification provided (evidence only). Condition: Thyroid cancer, nonmedullary, 1. Review status: no classification provided. Collection method: in vitro. Allele origin: not applicable. Functional consequence: cryptic splice site. Not counted in ClinVar's aggregate classification.

Dr. Peter K. Rogan Lab, Western University
No classification provided (evidence only). Condition: Thyroid cancer, nonmedullary, 1. Review status: no classification provided. Collection method: in vitro. Allele origin: not applicable. Functional consequence: cryptic splice site, retained intron. Not counted in ClinVar's aggregate classification.

Dr. Peter K. Rogan Lab, Western University
No classification provided (evidence only). Condition: Thyroid cancer, nonmedullary, 1. Review status: no classification provided. Collection method: in vitro. Allele origin: not applicable. Functional consequence: cryptic splice site, retained intron. Not counted in ClinVar's aggregate classification.

Dr. Peter K. Rogan Lab, Western University
No classification provided (evidence only). Condition: Thyroid cancer, nonmedullary, 1. Review status: no classification provided. Collection method: in vitro. Allele origin: not applicable. Functional consequence: cryptic splice site, retained intron. Not counted in ClinVar's aggregate classification.

Dr. Peter K. Rogan Lab, Western University
No classification provided (evidence only). Condition: Uterine corpus endometrial carcinoma. Review status: no classification provided. Collection method: in vitro. Allele origin: not applicable. Functional consequence: retained intron. Not counted in ClinVar's aggregate classification.

Dr. Peter K. Rogan Lab, Western University
No classification provided (evidence only). Condition: Cervical cancer. Review status: no classification provided. Collection method: in vitro. Allele origin: not applicable. Functional consequence: retained intron. Not counted in ClinVar's aggregate classification.

Dr. Peter K. Rogan Lab, Western University
No classification provided (evidence only). Condition: Cervical cancer. Review status: no classification provided. Collection method: in vitro. Allele origin: not applicable. Functional consequence: retained intron. Not counted in ClinVar's aggregate classification.

Dr. Peter K. Rogan Lab, Western University
No classification provided (evidence only). Condition: Cervical cancer. Review status: no classification provided. Collection method: in vitro. Allele origin: not applicable. Functional consequence: cryptic splice site, retained intron. Not counted in ClinVar's aggregate classification.

Dr. Peter K. Rogan Lab, Western University
No classification provided (evidence only). Condition: Cervical cancer. Review status: no classification provided. Collection method: in vitro. Allele origin: not applicable. Functional consequence: cryptic splice site, retained intron. Not counted in ClinVar's aggregate classification.

Dr. Peter K. Rogan Lab, Western University
No classification provided (evidence only). Condition: Sarcoma. Review status: no classification provided. Collection method: in vitro. Allele origin: not applicable. Functional consequence: retained intron. Not counted in ClinVar's aggregate classification.

Dr. Peter K. Rogan Lab, Western University
No classification provided (evidence only). Condition: Sarcoma. Review status: no classification provided. Collection method: in vitro. Allele origin: not applicable. Functional consequence: cryptic splice site, retained intron. Not counted in ClinVar's aggregate classification.

Dr. Peter K. Rogan Lab, Western University
No classification provided (evidence only). Condition: Sarcoma. Review status: no classification provided. Collection method: in vitro. Allele origin: not applicable. Functional consequence: retained intron. Not counted in ClinVar's aggregate classification.

Dr. Peter K. Rogan Lab, Western University
No classification provided (evidence only). Condition: Nonpapillary renal cell carcinoma. Review status: no classification provided. Collection method: in vitro. Allele origin: not applicable. Functional consequence: retained intron. Not counted in ClinVar's aggregate classification.

Dr. Peter K. Rogan Lab, Western University
No classification provided (evidence only). Condition: Ovarian serous cystadenocarcinoma. Review status: no classification provided. Collection method: in vitro. Allele origin: not applicable. Functional consequence: retained intron. Not counted in ClinVar's aggregate classification.

Dr. Peter K. Rogan Lab, Western University
No classification provided (evidence only). Condition: Ovarian serous cystadenocarcinoma. Review status: no classification provided. Collection method: in vitro. Allele origin: not applicable. Functional consequence: retained intron. Not counted in ClinVar's aggregate classification.

Dr. Peter K. Rogan Lab, Western University
No classification provided (evidence only). Condition: Gastric cancer. Review status: no classification provided. Collection method: in vitro. Allele origin: not applicable. Functional consequence: retained intron. Not counted in ClinVar's aggregate classification.

Dr. Peter K. Rogan Lab, Western University
No classification provided (evidence only). Condition: Gastric cancer. Review status: no classification provided. Collection method: in vitro. Allele origin: not applicable. Functional consequence: retained intron. Not counted in ClinVar's aggregate classification.

Dr. Peter K. Rogan Lab, Western University
No classification provided (evidence only). Condition: Adrenocortical carcinoma, hereditary. Review status: no classification provided. Collection method: in vitro. Allele origin: not applicable. Functional consequence: cryptic splice site, retained intron. Not counted in ClinVar's aggregate classification.

Dr. Peter K. Rogan Lab, Western University
No classification provided (evidence only). Condition: Malignant tumor of esophagus. Review status: no classification provided. Collection method: in vitro. Allele origin: not applicable. Functional consequence: cryptic splice site, retained intron. Not counted in ClinVar's aggregate classification.

Dr. Peter K. Rogan Lab, Western University
No classification provided (evidence only). Condition: Malignant tumor of esophagus. Review status: no classification provided. Collection method: in vitro. Allele origin: not applicable. Functional consequence: cryptic splice site, retained intron. Not counted in ClinVar's aggregate classification.

NM_001363711.2(DUOX2):c.2835A>G (p.Gly945=)

Gene: DUOX2 (dual oxidase 2; minus strand). Cytogenetic location: 15q21.1.
Variant type: single nucleotide variant.
Coding change: c.2835A>G on transcript NM_001363711.2 (MANE Select); coding-DNA position 2835, A replaced by G.
Protein change: p.Gly945=; no amino-acid change (glycine 945 retained).
Molecular consequence: synonymous variant.
Genome position (GRCh38, 1-based): chr15:45,101,809, T>C on the plus strand (A>G on the coding strand, the complement: DUOX2 is on the minus strand). VCF-style: chr15-45101809-T-C. GRCh37 (hg19) VCF-style: chr15-45394007-T-C.
Other names: p.Gly945=; c.2835A>G, p.Gly945= (NM_014080.5).
Identifiers: ClinVar variation 773561 (VCV000773561.40), dbSNP rs112428007, ClinGen allele CA7538136.